The following is an entry in ClinVar:

NM_004333.6(BRAF):c.1858A>G (p.Met620Val)

Gene: BRAF (B-Raf proto-oncogene, serine/threonine kinase; minus strand). Cytogenetic location: 7q34.
Variant type: single nucleotide variant.
Coding change: c.1858A>G on transcript NM_004333.6 (MANE Select); coding-DNA position 1858, A replaced by G.
Protein change: p.Met620Val; replaces methionine 620 with valine.
Molecular consequence: missense variant.
Genome position (GRCh38, 1-based): chr7:140,753,277, T>C on the plus strand (A>G on the coding strand, the complement: BRAF is on the minus strand). VCF-style: chr7-140753277-T-C. GRCh37 (hg19) VCF-style: chr7-140453077-T-C.
Other names: c.1858A>G, p.Met620Val (NM_001354609.2, NM_001378468.1, NM_001378474.1); c.1978A>G, p.Met660Val (NM_001374244.1, NM_001374258.1); c.1867A>G, p.Met623Val (NM_001378467.1); c.1792A>G, p.Met598Val (NM_001378469.1); c.1756A>G, p.Met586Val (NM_001378470.1); c.1747A>G, p.Met583Val (NM_001378471.1); c.1702A>G, p.Met568Val (NM_001378472.1, NM_001378473.1); c.1594A>G, p.Met532Val (NM_001378475.1); short protein forms M532V, M568V, M583V, M586V, M598V, M620V, M623V, M660V.
Identifiers: ClinVar variation 1691521 (VCV001691521.4), dbSNP rs1296245849, ClinGen allele CA369542712.

ClinVar aggregate classification (germline): Uncertain significance (1 of 4 stars; one submission).

Conditions:
Noonan syndrome 7 (NS7). Also called: BRAF-Related Noonan Syndrome. Identifiers: Orphanet 648, MedGen C3150970, MONDO:0013379, OMIM 613706.

Allele frequency attached by ClinVar (database versions not stated): gnomAD exomes below 0.00001; TOPMed below 0.00001.
gnomAD v4.1: 1 of 1,604,128 alleles (0.000062%); highest among the groups gnomAD compares: Non-Finnish European, 0.000085%; no homozygotes.

Submission:

St. Jude Molecular Pathology, St. Jude Children's Research Hospital
Classification: Uncertain significance for Noonan syndrome 7. Last evaluated: 2022-01-27. Review status: criteria provided, single submitter. Criteria: St. Jude Assertion Criteria 2020. Collection method: clinical testing. Allele origin: germline.
Comment: The BRAF c.1858A>G (p.Met620Val) missense variant is absent in gnomAD v2.1.1 (PM2_Supporting ). This variant occurs in a gene where missense variants are more likely to be damaging based on methods described by Lek et al. (PP2; PMID: 27535533). Seven of seven in silico tools predict a benign effect of this variant on protein function (BP4), but to our knowledge these predictions have not been confirmed by functional assays. To our knowledge, this variant has not been reported in individuals with Cardiofaciocutaneous syndrome and Noonan syndrome. In summary, this variant meets criteria to be classified as of uncertain significance based on the ACMG/AMP criteria, as specified by the RASopathy Variant Curation Expert Panel (PMID:29493581): PM2_Supporting, PP3, PP2.